The following is an entry in ClinVar:

ClinVar aggregate classification (germline): Likely benign. Review status: criteria provided, multiple submitters, no conflicts (2 of 4 stars). 5 submissions from 5 submitters: Likely benign (5). Last evaluated 2025-11-12.

Conditions:
Cardiovascular phenotype. Identifiers: MedGen CN230736.
Cardiomyopathy (CMYO). Also called: Cardiomyopathies. Identifiers: Orphanet 167848, MedGen C0878544, MONDO:0004994, HP:0001638. Inheritance: Various modes of inheritance.
Hypertrophic cardiomyopathy. Also called: HYPERTROPHIC MYOCARDIOPATHY. Identifiers: Orphanet 217569, MedGen C0007194, MeSH D002312, MONDO:0005045, HP:0001639.

Allele frequency attached by ClinVar (database versions not stated): ExAC 0.00002; gnomAD 0.00002 and 0.00003; gnomAD exomes 0.00002 and 0.00003; TOPMed 0.00002.
gnomAD v4.1: 37 of 1,613,868 alleles (0.0023%); highest among the groups gnomAD compares: Middle Eastern, 0.23%; no homozygotes.

Submissions (5):

Labcorp Genetics (formerly Invitae), Labcorp
Classification: Likely benign for Hypertrophic cardiomyopathy. Last evaluated: 2025-11-12. Review status: criteria provided, single submitter. Criteria: Invitae Variant Classification Sherloc (09022015). Collection method: clinical testing. Allele origin: germline.

Molecular Diagnostic Laboratory for Inherited Cardiovascular Disease, Montreal Heart Institute
Classification: Likely benign. Last evaluated: 2025-04-09. Review status: criteria provided, single submitter. Criteria: ACMG Guidelines, 2015. Collection method: clinical testing. Allele origin: germline. Affected: no.

All of Us Research Program, National Institutes of Health
Classification: Likely benign for Hypertrophic cardiomyopathy. Last evaluated: 2023-12-13. Review status: criteria provided, single submitter. Criteria: ACMG Guidelines, 2015. Collection method: clinical testing. Allele origin: germline. Inheritance: Autosomal dominant inheritance. Observed: 8 variant alleles, 8 heterozygotes.
Comment: This study involves interpretation of variants in research participants for the purpose of population health screening. Participant phenotype was not available at the time of variant classification. Additional details can be found in publication PMID: 35346344, PMCID: PMC8962531

Color Diagnostics, LLC DBA Color Health
Classification: Likely benign for Cardiomyopathy. Last evaluated: 2018-10-17. Review status: criteria provided, single submitter. Criteria: ACMG Guidelines, 2015. Collection method: clinical testing. Allele origin: germline.

Ambry Genetics
Classification: Likely benign for Cardiovascular phenotype. Last evaluated: 2017-03-11. Review status: criteria provided, single submitter. Criteria: Ambry Variant Classification Scheme 2023. Collection method: clinical testing. Allele origin: germline.

NM_000256.3(MYBPC3):c.3657G>T (p.Leu1219=)

Gene: MYBPC3 (myosin binding protein C3; minus strand). Cytogenetic location: 11p11.2.
Variant type: single nucleotide variant.
Coding change: c.3657G>T on transcript NM_000256.3 (MANE Select); coding-DNA position 3657, G replaced by T.
Protein change: p.Leu1219=; no amino-acid change (leucine 1219 retained).
Molecular consequence: synonymous variant.
Genome position (GRCh38, 1-based): chr11:47,332,229, C>A on the plus strand (G>T on the coding strand, the complement: MYBPC3 is on the minus strand). VCF-style: chr11-47332229-C-A. GRCh37 (hg19) VCF-style: chr11-47353780-C-A.
Other names: c.3657G>T, p.Leu1219= (LRG_386t1).
Identifiers: ClinVar variation 414442 (VCV000414442.31), dbSNP rs770157084, ClinGen allele CA079493.